The following is an entry in ClinVar:

NM_133433.4(NIPBL):c.8111G>A (p.Ser2704Asn)

Gene: NIPBL (NIPBL cohesin loading factor; plus strand). Cytogenetic location: 5p13.2.
Variant type: single nucleotide variant.
Coding change: c.8111G>A on transcript NM_133433.4 (MANE Select); coding-DNA position 8111, G replaced by A.
Protein change: p.Ser2704Asn; replaces serine 2704 with asparagine.
Molecular consequence: missense variant. On other transcripts: 3 prime UTR variant (1).
Genome position (GRCh38, 1-based): chr5:37,064,588, G>A. VCF-style: chr5-37064588-G-A. GRCh37 (hg19) VCF-style: chr5-37064690-G-A.
Other names: c.*565G>A (NM_015384.5); short protein forms S2704N.
Identifiers: ClinVar variation 1805582 (VCV001805582.1), dbSNP rs2478769067, ClinGen allele CA359522129.

ClinVar aggregate classification (germline): Uncertain significance (1 of 4 stars; one submission).

Conditions:
Cornelia de Lange syndrome 1 (CDLS1). Also called: NIPBL-Related Cornelia de Lange Syndrome; TYPUS DEGENERATIVUS AMSTELODAMENSIS; Brachmann de Lange syndrome. Identifiers: Orphanet 199, MedGen C4551851, MONDO:0007387, OMIM 122470.

Submission:

Victorian Clinical Genetics Services, Murdoch Childrens Research Institute
Classification: Uncertain significance for Cornelia de Lange syndrome 1. Last evaluated: 2020-05-21. Review status: criteria provided, single submitter. Criteria: ACMG Guidelines, 2015. Collection method: clinical testing. Allele origin: germline. Inheritance: Autosomal dominant inheritance. Affected: yes.
Comment: A heterozygous missense variant was identified, NM_133433.3(NIPBL):c.8111G>A in exon 47 of the NIPBL gene. (NB: this variant is non-coding in an alternative transcript). This substitution is predicted to create a minor amino acid change from a serine to an asparagine at position 2704 of the protein NP_597677.2(NIPBL):p.(Ser2704Asn). The serine at this position has high conservation (100 vertebrates, UCSC), but is not situated in a known functional domain (NCBI, PDB). In silico software predictions of the pathogenicity of this variant are conflicting (PolyPhen2, PROVEAN, FATHMM, MutationAssessor). The variant is not present in the gnomAD population database. This variant has not previously been reported in clinical cases. Based on information available at the time of curation, this variant has been classified as a VUS. Legend: (P) - Pathogenic, (N) - Neutral, (B) - Benign